The following is an entry in ClinVar:

NM_000051.4(ATM):c.4716G>C (p.Lys1572Asn)

Gene: ATM (ATM serine/threonine kinase; plus strand). Cytogenetic location: 11q22.3.
Variant type: single nucleotide variant.
Coding change: c.4716G>C on transcript NM_000051.4 (MANE Select); coding-DNA position 4716, G replaced by C.
Protein change: p.Lys1572Asn; replaces lysine 1572 with asparagine.
Molecular consequence: missense variant.
Genome position (GRCh38, 1-based): chr11:108,293,417, G>C. VCF-style: chr11-108293417-G-C. GRCh37 (hg19) VCF-style: chr11-108164144-G-C.
Other names: c.4716G>C, p.Lys1572Asn (NM_001351834.2); short protein forms K1572N.
Identifiers: ClinVar variation 187725 (VCV000187725.10), dbSNP rs786203953, ClinGen allele CA198417.

ClinVar aggregate classification (germline): Uncertain significance. Review status: criteria provided, multiple submitters, no conflicts (2 of 4 stars). 2 submissions from 2 submitters: Uncertain significance (2). Last evaluated 2025-05-25.

Conditions:
Hereditary cancer-predisposing syndrome. Also called: Hereditary Cancer Syndrome; Neoplastic Syndromes, Hereditary; Tumor predisposition; Hereditary neoplastic syndrome. Identifiers: Orphanet 140162, MedGen C0027672, MeSH D009386, MONDO:0015356.
Ataxia-telangiectasia syndrome (AT). Also called: Ataxia-telangiectasia, complementation group D; AT, COMPLEMENTATION GROUP C; ATAXIA-TELANGIECTASIA, COMPLEMENTATION GROUP A; ATAXIA-TELANGIECTASIA, FRESNO VARIANT; Ataxia-telangiectasia; LOUIS-BAR SYNDROME. Identifiers: Orphanet 100, MedGen C0004135, MONDO:0008840, OMIM 208900.

Allele frequency attached by ClinVar (database versions not stated): TOPMed below 0.00001; gnomAD 0.00001.
gnomAD v4.1: 1 of 1,612,386 alleles (0.000062%); highest among the groups gnomAD compares: East Asian, 0.0022%; no homozygotes.

Submissions (2):

Labcorp Genetics (formerly Invitae), Labcorp
Classification: Uncertain significance for Ataxia-telangiectasia syndrome. Last evaluated: 2025-05-25. Review status: criteria provided, single submitter. Criteria: Invitae Variant Classification Sherloc (09022015). Collection method: clinical testing. Allele origin: germline.
Comment: This sequence change replaces lysine, which is basic and polar, with asparagine, which is neutral and polar, at codon 1572 of the ATM protein (p.Lys1572Asn). This variant is not present in population databases (gnomAD no frequency). This variant has not been reported in the literature in individuals affected with ATM-related conditions. ClinVar contains an entry for this variant (Variation ID: 187725). Invitae Evidence Modeling of protein sequence and biophysical properties (such as structural, functional, and spatial information, amino acid conservation, physicochemical variation, residue mobility, and thermodynamic stability) indicates that this missense variant is not expected to disrupt ATM protein function with a negative predictive value of 95%. In summary, the available evidence is currently insufficient to determine the role of this variant in disease. Therefore, it has been classified as a Variant of Uncertain Significance.

Ambry Genetics
Classification: Uncertain significance for Hereditary cancer-predisposing syndrome. Last evaluated: 2014-12-25. Review status: criteria provided, single submitter. Criteria: Ambry Variant Classification Scheme 2023. Collection method: clinical testing. Allele origin: germline.
Comment: The p.K1572N variant (also known as c.4716G>C), located in coding exon 30 of the ATM gene, results from a G to C substitution at nucleotide position 4716. The lysine at codon 1572 is replaced by asparagine, an amino acid with similar properties. This variant was not reported in population based cohorts in the following databases: Database of Single Nucleotide Polymorphisms (dbSNP), NHLBI Exome Sequencing Project (ESP), and 1000 Genomes Project. In the ESP, this variant was not observed in 6495 samples (12990 alleles) with coverage at this position. To date, this alteration has been detected with an allele frequency of approximately 0.002% (greater than 41,000 alleles tested) in our clinical cohort. This amino acid position is well conserved in available vertebrate species. In addition, this alteration is predicted to be tolerated by in silico analysis. Since supporting evidence is limited at this time, the clinical significance of p.K1572N remains unclear.